The following is an entry in ClinVar:

NM_020717.5(SHROOM4):c.2453G>A (p.Cys818Tyr)

Gene: SHROOM4 (shroom family member 4; minus strand). Cytogenetic location: Xp11.22.
Variant type: single nucleotide variant.
Coding change: c.2453G>A on transcript NM_020717.5 (MANE Select); coding-DNA position 2453, G replaced by A.
Protein change: p.Cys818Tyr; replaces cysteine 818 with tyrosine.
Molecular consequence: missense variant. On other transcripts: non-coding transcript variant (4).
Genome position (GRCh38, 1-based): chrX:50,633,620, C>T on the plus strand (G>A on the coding strand, the complement: SHROOM4 is on the minus strand). VCF-style: chrX-50633620-C-T. GRCh37 (hg19) VCF-style: chrX-50376620-C-T.
Other names: c.2453G>A (NM_020717.3); short protein forms C818Y.
Identifiers: ClinVar variation 1049662 (VCV001049662.2), dbSNP rs138676318, ClinGen allele CA10416124.

ClinVar aggregate classification (germline): Likely benign. Review status: criteria provided, single submitter (1 of 4 stars). 2 submissions from 2 submitters: Likely benign (1). 1 of the submissions does not count toward it. Last evaluated 2023-12-19.

Allele frequency attached by ClinVar (database versions not stated): gnomAD 0.00036 and 0.00041; TOPMed 0.00045; ESP Exome Variant Server 0.00076.
gnomAD v4.1: 80 of 1,210,470 alleles (0.0066%); highest among the groups gnomAD compares: African/African-American, 0.12%; no homozygotes.

Submissions (2):

Ambry Genetics
Classification: Likely benign. Last evaluated: 2023-12-19. Review status: criteria provided, single submitter. Criteria: Ambry Variant Classification Scheme 2023. Collection method: clinical testing. Allele origin: germline.

Department of Pathology and Laboratory Medicine, Sinai Health System
Classification: Benign. Review status: no assertion criteria provided. Collection method: clinical testing. Allele origin: unknown. Affected: yes. Study: The Canadian Open Genetics Repository (COGR). Not counted in ClinVar's aggregate classification.
Comment: The SHROOM4 p.Cys818Tyr variant was not identified in the literature nor was it identified in ClinVar or LOVD 3.0. The variant was identified in dbSNP (ID: rs138676318) and in control databases in 26 of 205456 chromosomes (7 hemizygous) at a frequency of 0.0001265 (Genome Aggregation Database March 6, 2019, v2.1.1). The variant was observed in the following populations: African in 22 of 19026 chromosomes (freq: 0.001156) and Latino in 4 of 28050 chromosomes (freq: 0.000143), but was not observed in the Ashkenazi Jewish, East Asian, European (Finnish), European (non-Finnish), Other, or South Asian populations. The p.Cys818 residue is not conserved in mammals and four out of five computational analyses (PolyPhen-2, SIFT, AlignGVGD, BLOSUM, MutationTaster) do not suggest a high likelihood of impact to the protein; however, this information is not predictive enough to rule out pathogenicity. The variant occurs outside of the splicing consensus sequence and in silico or computational prediction software programs (SpliceSiteFinder, MaxEntScan, NNSPLICE, GeneSplicer) do not predict a difference in splicing. In summary, based on the above information this variant meets our laboratory's criteria to be classified as benign.